The following is an entry in ClinVar:

NM_016148.5(SHANK1):c.4088C>A (p.Ala1363Glu)

Gene: SHANK1 (SH3 and multiple ankyrin repeat domains 1; minus strand). Cytogenetic location: 19q13.33.
Variant type: single nucleotide variant.
Coding change: c.4088C>A on transcript NM_016148.5 (MANE Select); coding-DNA position 4088, C replaced by A.
Protein change: p.Ala1363Glu; replaces alanine 1363 with glutamic acid.
Molecular consequence: missense variant.
Genome position (GRCh38, 1-based): chr19:50,667,872, G>T on the plus strand (C>A on the coding strand, the complement: SHANK1 is on the minus strand). VCF-style: chr19-50667872-G-T. GRCh37 (hg19) VCF-style: chr19-51171129-G-T.
Other names: short protein forms A1363E.
Identifiers: ClinVar variation 2504488 (VCV002504488.1), dbSNP rs1012165028, ClinGen allele CA309626908.

ClinVar aggregate classification (germline): Uncertain significance (1 of 4 stars; one submission).

gnomAD v4.1: 2 of 1,316,274 alleles (0.00015%); highest among the groups gnomAD compares: Non-Finnish European, 0.00019%; no homozygotes.

Submission:

GeneDx
Classification: Uncertain significance. Last evaluated: 2022-11-30. Review status: criteria provided, single submitter. Criteria: GeneDx Variant Classification Process June 2021. Collection method: clinical testing. Allele origin: germline. Affected: yes.
Comment: Not observed at significant frequency in large population cohorts (gnomAD); In silico analysis supports that this missense variant has a deleterious effect on protein structure/function; Has not been previously published as pathogenic or benign to our knowledge